The following is an entry in ClinVar:

ClinVar aggregate classification (germline): Uncertain significance (1 of 4 stars; one submission).

Conditions:
Propionic acidemia (PROP). Also called: KETOTIC HYPERGLYCINEMIA; GLYCINEMIA, KETOTIC; HYPERGLYCINEMIA WITH KETOACIDOSIS AND LEUKOPENIA. Identifiers: Orphanet 35, MedGen C0268579, MONDO:0011628, OMIM 606054, HP:0003571.

Allele frequency attached by ClinVar (database versions not stated): gnomAD exomes below 0.00001.

Submission:

Labcorp Genetics (formerly Invitae), Labcorp
Classification: Uncertain significance for Propionic acidemia. Last evaluated: 2024-11-05. Review status: criteria provided, single submitter. Criteria: Invitae Variant Classification Sherloc (09022015). Collection method: clinical testing. Allele origin: germline.
Comment: This sequence change replaces asparagine, which is neutral and polar, with serine, which is neutral and polar, at codon 270 of the PCCB protein (p.Asn270Ser). This variant is present in population databases (no rsID available, gnomAD 0.0009%). This variant has not been reported in the literature in individuals affected with PCCB-related conditions. ClinVar contains an entry for this variant (Variation ID: 1415471). Invitae Evidence Modeling of protein sequence and biophysical properties (such as structural, functional, and spatial information, amino acid conservation, physicochemical variation, residue mobility, and thermodynamic stability) indicates that this missense variant is not expected to disrupt PCCB protein function with a negative predictive value of 95%. In summary, the available evidence is currently insufficient to determine the role of this variant in disease. Therefore, it has been classified as a Variant of Uncertain Significance.

NM_000532.5(PCCB):c.809A>G (p.Asn270Ser)

Gene: PCCB (propionyl-CoA carboxylase subunit beta; plus strand). Cytogenetic location: 3q22.3.
Variant type: single nucleotide variant.
Coding change: c.809A>G on transcript NM_000532.5 (MANE Select); coding-DNA position 809, A replaced by G.
Protein change: p.Asn270Ser; replaces asparagine 270 with serine.
Molecular consequence: missense variant.
Genome position (GRCh38, 1-based): chr3:136,297,997, A>G. VCF-style: chr3-136297997-A-G. GRCh37 (hg19) VCF-style: chr3-136016839-A-G.
Other names: c.869A>G, p.Asn290Ser (NM_001178014.2); short protein forms N270S, N290S.
Identifiers: ClinVar variation 1415471 (VCV001415471.7), dbSNP rs1234137372, ClinGen allele CA354644594.